The following is an entry in ClinVar:

ClinVar aggregate classification (germline): Uncertain significance. Review status: criteria provided, multiple submitters, no conflicts (2 of 4 stars). 2 submissions from 2 submitters: Uncertain significance (2). Last evaluated 2026-07-27.

Conditions:
Inborn genetic diseases. Identifiers: MedGen C0950123, MeSH D030342.
Polyglandular autoimmune syndrome, type 1 (APS1). Also called: AUTOIMMUNE POLYENDOCRINE SYNDROME, TYPE I, WITH OR WITHOUT REVERSIBLE METAPHYSEAL DYSPLASIA; Autoimmune polyendocrinopathy syndrome, type I; Autoimmune polyendocrinopathy syndrome , type I, with or without reversible metaphyseal dysplasia; APS I; HYPOADRENOCORTICISM WITH HYPOPARATHYROIDISM AND SUPERFICIAL MONILIASIS; PGA I. Identifiers: Orphanet 3453, MedGen C0085859, MONDO:0009411, OMIM 240300.

gnomAD v4.1: 13 of 1,612,576 alleles (0.00081%); highest among the groups gnomAD compares: Middle Eastern, 0.017%; no homozygotes.

Submissions (2):

Ambry Genetics
Classification: Uncertain significance for Inborn genetic diseases. Last evaluated: 2026-07-27. Review status: criteria provided, single submitter. Criteria: Ambry Variant Classification Scheme 2023. Collection method: clinical testing. Allele origin: germline.

Labcorp Genetics (formerly Invitae), Labcorp
Classification: Uncertain significance for Polyglandular autoimmune syndrome, type 1. Last evaluated: 2025-09-06. Review status: criteria provided, single submitter. Criteria: Invitae Variant Classification Sherloc (09022015). Collection method: clinical testing. Allele origin: germline.
Comment: This sequence change replaces alanine, which is neutral and non-polar, with proline, which is neutral and non-polar, at codon 510 of the AIRE protein (p.Ala510Pro). This variant is not present in population databases (gnomAD no frequency). This variant has not been reported in the literature in individuals affected with AIRE-related conditions. ClinVar contains an entry for this variant (Variation ID: 2146656). Invitae Evidence Modeling of protein sequence and biophysical properties (such as structural, functional, and spatial information, amino acid conservation, physicochemical variation, residue mobility, and thermodynamic stability) indicates that this missense variant is not expected to disrupt AIRE protein function with a negative predictive value of 95%. In summary, the available evidence is currently insufficient to determine the role of this variant in disease. Therefore, it has been classified as a Variant of Uncertain Significance.

NM_000383.4(AIRE):c.1528G>C (p.Ala510Pro)

Genes: AIRE (autoimmune regulator; plus strand), LOC130066813 (ATAC-STARR-seq lymphoblastoid silent region 13378; plus strand). Cytogenetic location: 21q22.3.
Variant type: single nucleotide variant.
Coding change: c.1528G>C on transcript NM_000383.4 (MANE Select); coding-DNA position 1528, G replaced by C.
Protein change: p.Ala510Pro; replaces alanine 510 with proline.
Molecular consequence: missense variant.
Genome position (GRCh38, 1-based): chr21:44,296,407, G>C. VCF-style: chr21-44296407-G-C. GRCh37 (hg19) VCF-style: chr21-45716290-G-C.
Other names: short protein forms A510P.
Identifiers: ClinVar variation 2146656 (VCV002146656.4), dbSNP rs754625743, ClinGen allele CA10052173.
Genomic context (GRCh38, chr21:44,296,407, plus strand): 5'-GAGTTGGGCTGACCTCTTCTCTTTACTGGGTTCCAGGATGACACTGCCAGTCACGAGCCC[G>C]CTCTGCACAGGGATGACCTGGAGTCCCTTCTGAGCGAGGTAACGCCTCCCCTGGCCTCCT-3'
Protein context (NP_000374.1, residues 500-520): AKDDTASHEP[Ala510Pro]LHRDDLESLL